The following is an entry in ClinVar:

ClinVar aggregate classification (germline): Uncertain significance (1 of 4 stars; one submission).

Submission:

GeneDx
Classification: Uncertain significance. Last evaluated: 2024-07-03. Review status: criteria provided, single submitter. Criteria: GeneDx Variant Classification Process June 2021. Collection method: clinical testing. Allele origin: germline.
Comment: Not observed at significant frequency in large population cohorts (gnomAD); In silico analysis supports that this missense variant has a deleterious effect on protein structure/function; Has not been previously published as pathogenic or benign to our knowledge; Variants in candidate genes are classified as variants of uncertain significance in accordance with ACMG guidelines (PMID: 25741868)

NM_014921.5(ADGRL1):c.3220G>C (p.Ala1074Pro)

Genes: ADGRL1 (adhesion G protein-coupled receptor L1; minus strand), ADGRL1-AS1 (ADGRL1 antisense RNA 1; plus strand). Cytogenetic location: 19p13.12.
Variant type: single nucleotide variant.
Coding change: c.3220G>C on transcript NM_014921.5 (MANE Select); coding-DNA position 3220, G replaced by C.
Protein change: p.Ala1074Pro; replaces alanine 1074 with proline.
Molecular consequence: missense variant. On other transcripts: non-coding transcript variant (1).
Genome position (GRCh38, 1-based): chr19:14,155,433, C>G on the plus strand (G>C on the coding strand, the complement: ADGRL1 is on the minus strand). VCF-style: chr19-14155433-C-G. GRCh37 (hg19) VCF-style: chr19-14266245-C-G.
Other names: c.3235G>C, p.Ala1079Pro (NM_001008701.3); short protein forms A1074P, A1079P.
Identifiers: ClinVar variation 4976687 (VCV004976687.1).